The following is an entry in ClinVar:

NM_001042432.2(CLN3):c.392G>A (p.Ser131Asn)

Gene: CLN3 (CLN3 lysosomal/endosomal transmembrane protein, battenin; minus strand). Cytogenetic location: 16p12.1.
Variant type: single nucleotide variant.
Coding change: c.392G>A on transcript NM_001042432.2 (MANE Select); coding-DNA position 392, G replaced by A.
Protein change: p.Ser131Asn; replaces serine 131 with asparagine.
Molecular consequence: missense variant.
Genome position (GRCh38, 1-based): chr16:28,487,524, C>T on the plus strand (G>A on the coding strand, the complement: CLN3 is on the minus strand). VCF-style: chr16-28487524-C-T. GRCh37 (hg19) VCF-style: chr16-28498845-C-T.
Other names: p.S131N:AGT>AAT; p.Ser131Asn; c.392G>A, p.Ser131Asn (NM_000086.2); c.320G>A, p.Ser107Asn (NM_001286104.2); c.92G>A, p.Ser31Asn (NM_001286105.2); c.158G>A, p.Ser53Asn (NM_001286109.2); c.230G>A, p.Ser77Asn (NM_001286110.2); short protein forms S131N, S107N, S77N, S31N, S53N.
Identifiers: ClinVar variation 205109 (VCV000205109.30), dbSNP rs144770450, ClinGen allele CA313793.

ClinVar aggregate classification (germline): Uncertain significance. Review status: criteria provided, multiple submitters, no conflicts (2 of 4 stars). 10 submissions from 10 submitters: Uncertain significance (9). 1 of the submissions does not count toward it. Last evaluated 2026-01-26.

Conditions:
CLN3-related disorder. Also called: CLN3-related condition. Identifiers: MedGen CN382248.
Inborn genetic diseases. Identifiers: MedGen C0950123, MeSH D030342.
Neuronal ceroid lipofuscinosis. Also called: Neuronal Ceroid Lipofuscinoses. Identifiers: Orphanet 216, Orphanet 79263, MedGen C0027877, MONDO:0016295. Disease mechanism: loss of function.
Neuronal ceroid lipofuscinosis 3 (CLN3). Identifiers: Orphanet 228346, MedGen C0751383, MONDO:0008767, OMIM 204200.

Allele frequency attached by ClinVar (database versions not stated): gnomAD 0.00015 and 0.00017; ESP Exome Variant Server 0.00023; gnomAD exomes 0.00026; TOPMed 0.00027; ExAC 0.00030.
gnomAD v4.1: 506 of 1,613,800 alleles (0.031%); highest among the groups gnomAD compares: Non-Finnish European, 0.04%; no homozygotes.

Submissions (10):

GeneDx
Classification: Uncertain significance. Last evaluated: 2026-01-26. Review status: criteria provided, single submitter. Criteria: GeneDx Variant Classification Process June 2021. Collection method: clinical testing. Allele origin: germline. Affected: yes.
Comment: In silico analysis suggests that this missense variant does not alter protein structure/function; Has not been previously reported as pathogenic or benign in association with neurodevelopmental disorders to our knowledge; This variant is associated with the following publications: (PMID: 33408077)

Mayo Clinic Laboratories, Mayo Clinic
Classification: Uncertain significance. Last evaluated: 2025-07-17. Review status: criteria provided, single submitter. Criteria: ACMG Guidelines, 2015. Collection method: clinical testing. Allele origin: germline. Observed: 1 variant allele.
Comment: BP4

Ambry Genetics
Classification: Uncertain significance for Inborn genetic diseases. Last evaluated: 2025-06-16. Review status: criteria provided, single submitter. Criteria: Ambry Variant Classification Scheme 2023. Collection method: clinical testing. Allele origin: germline.

Labcorp Genetics (formerly Invitae), Labcorp
Classification: Uncertain significance for Neuronal ceroid lipofuscinosis. Last evaluated: 2025-01-06. Review status: criteria provided, single submitter. Criteria: Invitae Variant Classification Sherloc (09022015). Collection method: clinical testing. Allele origin: germline.
Comment: This sequence change replaces serine, which is neutral and polar, with asparagine, which is neutral and polar, at codon 131 of the CLN3 protein (p.Ser131Asn). This variant is present in population databases (rs144770450, gnomAD 0.05%). This variant has not been reported in the literature in individuals affected with CLN3-related conditions. ClinVar contains an entry for this variant (Variation ID: 205109). Invitae Evidence Modeling of protein sequence and biophysical properties (such as structural, functional, and spatial information, amino acid conservation, physicochemical variation, residue mobility, and thermodynamic stability) has been performed for this missense variant. However, the output from this modeling did not meet the statistical confidence thresholds required to predict the impact of this variant on CLN3 protein function. In summary, the available evidence is currently insufficient to determine the role of this variant in disease. Therefore, it has been classified as a Variant of Uncertain Significance.

Blueprint Genetics
Classification: Uncertain significance. Last evaluated: 2024-11-22. Review status: criteria provided, single submitter. Criteria: ACMG Guidelines, 2015. Collection method: clinical testing. Allele origin: germline.

Women's Health and Genetics/Laboratory Corporation of America, LabCorp
Classification: Uncertain significance. Last evaluated: 2024-07-31. Review status: criteria provided, single submitter. Criteria: LabCorp Variant Classification Summary - May 2015. Collection method: clinical testing. Allele origin: germline.
Comment: Variant summary: CLN3 c.392G>A (p.Ser131Asn) results in a conservative amino acid change in the encoded protein sequence. Four of five in-silico tools predict a damaging effect of the variant on protein function. The variant allele was found at a frequency of 0.00026 in 251154 control chromosomes. This frequency is not significantly higher than estimated for a pathogenic variant in CLN3 causing Neuronal Ceroid-Lipofuscinosis (Batten Disease) (0.00026 vs 0.0016), allowing no conclusion about variant significance. To our knowledge, no occurrence of c.392G>A in individuals affected with Neuronal Ceroid-Lipofuscinosis (Batten Disease) and no experimental evidence demonstrating its impact on protein function have been reported. ClinVar contains an entry for this variant (Variation ID: 205109). Based on the evidence outlined above, the variant was classified as uncertain significance.

Fulgent Genetics
Classification: Uncertain significance for Neuronal ceroid lipofuscinosis 3. Last evaluated: 2022-01-05. Review status: criteria provided, single submitter. Criteria: ACMG Guidelines, 2015. Collection method: clinical testing. Allele origin: unknown.

Genome-Nilou Lab
Classification: Uncertain significance for Neuronal ceroid lipofuscinosis 3. Last evaluated: 2021-09-05. Review status: criteria provided, single submitter. Criteria: ACMG Guidelines, 2015. Collection method: clinical testing. Allele origin: germline. Affected: no.

Illumina Laboratory Services, Illumina
Classification: Uncertain significance for Neuronal ceroid lipofuscinosis 3. Last evaluated: 2018-01-13. Review status: criteria provided, single submitter. Criteria: ICSL Variant Classification Criteria 13 December 2019. Collection method: clinical testing. Allele origin: germline.

PreventionGenetics, part of Exact Sciences
Classification: Uncertain significance for CLN3-related condition. Last evaluated: 2024-09-23. Review status: no assertion criteria provided. Collection method: clinical testing. Allele origin: germline. Not counted in ClinVar's aggregate classification.
Comment: The CLN3 c.392G>A variant is predicted to result in the amino acid substitution p.Ser131Asn. To our knowledge, this variant has not been reported in the literature in individuals with CLN3-related disease. This variant is reported in 0.051% of alleles in individuals of European (Non-Finnish) descent in gnomAD, which may be too common to be a primary cause of disease. Although we suspect that this variant may be benign, at this time, the clinical significance of this variant is uncertain due to the absence of conclusive functional and genetic evidence.

Literature cited by the submitters: PubMed 33408077 (cited by Mayo Clinic Laboratories, Mayo Clinic).